The following is an entry in ClinVar:

ClinVar aggregate classification (germline): Uncertain significance. Review status: criteria provided, multiple submitters, no conflicts (2 of 4 stars). 3 submissions from 3 submitters: Uncertain significance (2). 1 of the submissions does not count toward it. Last evaluated 2026-01-27.

Conditions:
Focal segmental glomerulosclerosis 2 (FSGS2). Identifiers: Orphanet 656, MedGen C1858915, MONDO:0011390, OMIM 603965.

Allele frequency attached by ClinVar (database versions not stated): gnomAD exomes below 0.00001 and 0.00001; ExAC 0.00001; gnomAD 0.00001; TOPMed 0.00001.
gnomAD v4.1: 13 of 1,604,974 alleles (0.00081%); highest among the groups gnomAD compares: Non-Finnish European, 0.0011%; no homozygotes.

Submissions (3):

Labcorp Genetics (formerly Invitae), Labcorp
Classification: Uncertain significance. Last evaluated: 2026-01-27. Review status: criteria provided, single submitter. Criteria: Invitae Variant Classification Sherloc (09022015). Collection method: clinical testing. Allele origin: germline.
Comment: This sequence change replaces phenylalanine, which is neutral and non-polar, with isoleucine, which is neutral and non-polar, at codon 102 of the TRPC6 protein (p.Phe102Ile). This variant is present in population databases (rs201363468, gnomAD 0.002%). This missense change has been observed in individual(s) with clinical features of TRPC6-related conditions (PMID: 40388293). ClinVar contains an entry for this variant (Variation ID: 266010). Invitae Evidence Modeling of protein sequence and biophysical properties (such as structural, functional, and spatial information, amino acid conservation, physicochemical variation, residue mobility, and thermodynamic stability) indicates that this missense variant is expected to disrupt TRPC6 protein function with a positive predictive value of 95%. In summary, the available evidence is currently insufficient to determine the role of this variant in disease. Therefore, it has been classified as a Variant of Uncertain Significance.

Illumina Laboratory Services, Illumina
Classification: Uncertain significance for Focal segmental glomerulosclerosis 2. Last evaluated: 2018-01-13. Review status: criteria provided, single submitter. Criteria: ICSL Variant Classification Criteria 13 December 2019. Collection method: clinical testing. Allele origin: germline.

Bioscientia Institut fuer Medizinische Diagnostik GmbH, Sonic Healthcare
Classification: Uncertain significance for Focal segmental glomerulosclerosis 2. Review status: no assertion criteria provided. Collection method: clinical testing. Allele origin: germline. Affected: yes. Not counted in ClinVar's aggregate classification.

Literature cited by the submitters: PubMed 40388293 (cited by Labcorp Genetics (formerly Invitae), Labcorp).

NM_004621.6(TRPC6):c.304T>A (p.Phe102Ile)

Gene: TRPC6 (transient receptor potential cation channel subfamily C member 6; minus strand). Cytogenetic location: 11q22.1.
Variant type: single nucleotide variant.
Coding change: c.304T>A on transcript NM_004621.6 (MANE Select); coding-DNA position 304, T replaced by A.
Protein change: p.Phe102Ile; replaces phenylalanine 102 with isoleucine.
Molecular consequence: missense variant.
Genome position (GRCh38, 1-based): chr11:101,504,665, A>T on the plus strand (T>A on the coding strand, the complement: TRPC6 is on the minus strand). VCF-style: chr11-101504665-A-T. GRCh37 (hg19) VCF-style: chr11-101375396-A-T.
Other names: short protein forms F102I.
Identifiers: ClinVar variation 266010 (VCV000266010.6), dbSNP rs201363468, ClinGen allele CA6244544.
Genomic context (GRCh38, chr11:101,504,665, plus strand): 5'-GGCATTCTTCTAACATCTTCCGCACCACTGGGATGTTACCATATTCAGCTGCATCCAAAA[A>T]GCGTTCCTCCTCTATAGATAGGCTTGTGGAGCGATCACTAAACATGTATGCTGGTCCTCG-3'
Protein context (NP_004612.2, residues 92-112): STSLSIEEER[Phe102Ile]LDAAEYGNIP